The following is an entry in ClinVar:

ClinVar aggregate classification (germline): Pathogenic/Likely pathogenic. Review status: criteria provided, multiple submitters, no conflicts (2 of 4 stars). 6 submissions from 6 submitters: Pathogenic (2); Likely pathogenic (2). 2 of the submissions do not count toward it. Last evaluated 2025-10-24.

Conditions:
F11-related disorder. Also called: F11-related condition.
Plasma factor XI deficiency.
Hereditary factor XI deficiency disease. Also called: Congenital factor XI deficiency; PLASMA THROMBOPLASTIN ANTECEDENT DEFICIENCY; PTA DEFICIENCY; ROSENTHAL SYNDROME. Identifiers: Orphanet 329, MedGen C0015523, MeSH D005173, MONDO:0012897, OMIM 612416.

Allele frequency attached by ClinVar (database versions not stated): gnomAD exomes 0.00001.
gnomAD v4.1: 6 of 1,613,856 alleles (0.00037%); highest among the groups gnomAD compares: Non-Finnish European, 0.00051%; no homozygotes.

Submissions (6):

Labcorp Genetics (formerly Invitae), Labcorp
Classification: Pathogenic. Last evaluated: 2025-10-24. Review status: criteria provided, single submitter. Criteria: Invitae Variant Classification Sherloc (09022015). Collection method: clinical testing. Allele origin: germline.
Comment: This sequence change creates a premature translational stop signal (p.Ser438*) in the F11 gene. It is expected to result in an absent or disrupted protein product. Loss-of-function variants in F11 are known to be pathogenic (PMID: 23929304). This variant is not present in population databases (gnomAD no frequency). This premature translational stop signal has been observed in individual(s) with factor XI deficiency (PMID: 22159456). ClinVar contains an entry for this variant (Variation ID: 189138). Algorithms developed to predict the effect of sequence changes on RNA splicing suggest that this variant may disrupt the consensus splice site. For these reasons, this variant has been classified as Pathogenic.

Natera, Inc.
Classification: Likely pathogenic for Plasma factor XI deficiency. Last evaluated: 2025-06-18. Review status: criteria provided, single submitter. Criteria: Natera Variant Classification Schema (03/2026). Collection method: clinical testing. Allele origin: germline.
Comment: The c.1313C>A variant in F11 is a nonsense variant predicted to introduce a stop codon at amino acid 438. This variant is expected to result in nonsense mediated decay, truncation, or a dysfunctional protein product. This variant is rare in the general population with a frequency below the threshold expected for the associated phenotype(s). Given the available evidence, this variant is classified as Likely Pathogenic.

GeneDx
Classification: Likely pathogenic. Last evaluated: 2025-03-24. Review status: criteria provided, single submitter. Criteria: GeneDx Variant Classification Process June 2021. Collection method: clinical testing. Allele origin: germline. Affected: yes.
Comment: Nonsense variant predicted to result in protein truncation or nonsense mediated decay in a gene for which loss of function is a known mechanism of disease; Not observed at significant frequency in large population cohorts (gnomAD); Observed as heterozygous in an individual with F11-related factor XI deficiency (PMID: 22159456); This variant is associated with the following publications: (PMID: 22159456)

Fulgent Genetics
Classification: Pathogenic for Hereditary factor XI deficiency disease. Last evaluated: 2022-04-21. Review status: criteria provided, single submitter. Criteria: ACMG Guidelines, 2015. Collection method: clinical testing. Allele origin: unknown.

PreventionGenetics, part of Exact Sciences
Classification: Pathogenic for F11-related condition. Last evaluated: 2024-01-29. Review status: no assertion criteria provided. Collection method: clinical testing. Allele origin: germline. Not counted in ClinVar's aggregate classification.
Comment: The F11 c.1313C>A variant is predicted to result in premature protein termination (p.Ser438*). This variant was reported in the heterozygous state in an individual with a biochemical and bleeding phenotype consistent with autosomal dominant factor XI deficiency (Guéguen et al. 2012. PubMed ID: 22159456). This variant has not been reported in a large population database, indicating it is rare. Nonsense variants in F11 are expected to be pathogenic. This variant is interpreted as pathogenic.

Counsyl
Classification: Likely pathogenic for Hereditary factor XI deficiency disease. Last evaluated: 2015-01-16. Review status: no assertion criteria provided. Collection method: literature only. Allele origin: unknown. Inheritance: Autosomal recessive inheritance. Not counted in ClinVar's aggregate classification.

Literature cited by the submitters: PubMed 23929304 (cited by Labcorp Genetics (formerly Invitae), Labcorp); PubMed 22159456 (cited by Labcorp Genetics (formerly Invitae), Labcorp and Counsyl).

NM_000128.4(F11):c.1313C>A (p.Ser438Ter)

Gene: F11 (coagulation factor XI; plus strand). Cytogenetic location: 4q35.2.
Variant type: single nucleotide variant.
Coding change: c.1313C>A on transcript NM_000128.4 (MANE Select); coding-DNA position 1313, C replaced by A.
Protein change: p.Ser438Ter; replaces serine 438 with a stop codon.
Molecular consequence: nonsense.
Genome position (GRCh38, 1-based): chr4:186,285,646, C>A. VCF-style: chr4-186285646-C-A. GRCh37 (hg19) VCF-style: chr4-187206800-C-A.
Other names: short protein forms S438*.
Identifiers: ClinVar variation 189138 (VCV000189138.9), dbSNP rs786204724, ClinGen allele CA199128.
Genomic context (GRCh38, chr4:186,285,646, plus strand): 5'-GGAATTATTTTTAGTAAAGGAAATTTCTTTCCCTCTGTTGTTTGCTCCTTAGGGTAGAGT[C>A]ACCTAAGATTTTGCGTGTCTACAGTGGCATTTTAAATCAATCTGAAATAAAAGAGGACAC-3'